The following is an entry in ClinVar:

NM_006031.6(PCNT):c.7335G>A (p.Ala2445=)

Gene: PCNT (pericentrin; plus strand). Cytogenetic location: 21q22.3.
Variant type: single nucleotide variant.
Coding change: c.7335G>A on transcript NM_006031.6 (MANE Select); coding-DNA position 7335, G replaced by A.
Protein change: p.Ala2445=; no amino-acid change (alanine 2445 retained).
Molecular consequence: synonymous variant.
Genome position (GRCh38, 1-based): chr21:46,427,636, G>A. VCF-style: chr21-46427636-G-A. GRCh37 (hg19) VCF-style: chr21-47847550-G-A.
Other names: c.6981G>A, p.Ala2327= (NM_001315529.2); c.7335G>A (NM_006031.5).
Identifiers: ClinVar variation 1571518 (VCV001571518.20), dbSNP rs140044774, ClinGen allele CA10080634.
Genomic context (GRCh38, chr21:46,427,636, plus strand): 5'-GCAGGTGCATTTGTGAGGACGCCACGTTTCTTCCTTCTTCCTTTAGGAAGTGCCCACCGC[G>A]TGCCCCGATTGGAGAGGGGACCTTCTGCAGGTTGTGCAAGAGGCCTTTGAAAAAGAGCAG-3'
Protein context (NP_006022.3, residues 2435-2455): HGGKTQEVPT[Ala2445=]CPDWRGDLLQ

ClinVar aggregate classification (germline): Likely benign. Review status: criteria provided, multiple submitters, no conflicts (2 of 4 stars). 5 submissions from 5 submitters: Likely benign (4). 1 of the submissions does not count toward it. Last evaluated 2026-04-06.

Conditions:
PCNT-related disorder. Also called: PCNT-related condition.

Allele frequency attached by ClinVar (database versions not stated): gnomAD exomes 0.00003 and 0.00006; ExAC 0.00006; 1000 Genomes Project 30x 0.00016; 1000 Genomes Project 0.00020; ESP Exome Variant Server 0.00031; gnomAD 0.00036 and 0.00039; TOPMed 0.00039.
gnomAD v4.1: 95 of 1,613,950 alleles (0.0059%); highest among the groups gnomAD compares: African/African-American, 0.11%; no homozygotes.

Submissions (5):

Women's Health and Genetics/Laboratory Corporation of America, LabCorp
Classification: Likely benign. Last evaluated: 2026-04-06. Review status: criteria provided, single submitter. Criteria: LabCorp Variant Classification Summary - May 2015. Collection method: clinical testing. Allele origin: germline.

Labcorp Genetics (formerly Invitae), Labcorp
Classification: Likely benign. Last evaluated: 2025-12-17. Review status: criteria provided, single submitter. Criteria: Invitae Variant Classification Sherloc (09022015). Collection method: clinical testing. Allele origin: germline.

CeGaT Center for Human Genetics Tuebingen
Classification: Likely benign. Last evaluated: 2025-07-01. Review status: criteria provided, single submitter. Criteria: CeGaT Center For Human Genetics Tuebingen Variant Classification Criteria Version 2. Collection method: clinical testing. Allele origin: germline. Affected: yes. Observed: 1 variant allele.
Comment: PCNT: BP4, BP7

Blueprint Genetics
Classification: Likely benign. Last evaluated: 2023-11-28. Review status: criteria provided, single submitter. Criteria: ACMG Guidelines, 2015. Collection method: clinical testing. Allele origin: germline.

PreventionGenetics, part of Exact Sciences
Classification: Likely benign for PCNT-related condition. Last evaluated: 2019-04-01. Review status: no assertion criteria provided. Collection method: clinical testing. Allele origin: germline. Not counted in ClinVar's aggregate classification.
Comment: This variant is classified as likely benign based on ACMG/AMP sequence variant interpretation guidelines (Richards et al. 2015 PMID: 25741868, with internal and published modifications).